The following is an entry in ClinVar:

NM_020949.3(SLC7A14):c.116C>T (p.Thr39Ile)

Genes: SLC7A14 (solute carrier family 7 member 14; minus strand), SLC7A14-AS1 (SLC7A14 antisense RNA 1; plus strand). Cytogenetic location: 3q26.2.
Variant type: single nucleotide variant.
Coding change: c.116C>T on transcript NM_020949.3 (MANE Select); coding-DNA position 116, C replaced by T.
Protein change: p.Thr39Ile; replaces threonine 39 with isoleucine.
Molecular consequence: missense variant.
Genome position (GRCh38, 1-based): chr3:170,526,821, G>A on the plus strand (C>T on the coding strand, the complement: SLC7A14 is on the minus strand). VCF-style: chr3-170526821-G-A. GRCh37 (hg19) VCF-style: chr3-170244610-G-A.
Other names: short protein forms T39I.
Identifiers: ClinVar variation 1010835 (VCV001010835.8), dbSNP rs1713521314, ClinGen allele CA355520189.

ClinVar aggregate classification (germline): Uncertain significance (1 of 4 stars; one submission).

Allele frequency attached by ClinVar (database versions not stated): gnomAD exomes below 0.00001.
gnomAD v4.1: 1 of 1,614,212 alleles (0.000062%); highest among the groups gnomAD compares: Non-Finnish European, 0.000085%; no homozygotes.

Submission:

Labcorp Genetics (formerly Invitae), Labcorp
Classification: Uncertain significance. Last evaluated: 2020-07-10. Review status: criteria provided, single submitter. Criteria: Invitae Variant Classification Sherloc (09022015). Collection method: clinical testing. Allele origin: germline.
Comment: In summary, the available evidence is currently insufficient to determine the role of this variant in disease. Therefore, it has been classified as a Variant of Uncertain Significance. This sequence change replaces threonine with isoleucine at codon 39 of the SLC7A14 protein (p.Thr39Ile). The threonine residue is moderately conserved and there is a moderate physicochemical difference between threonine and isoleucine. This variant is not present in population databases (ExAC no frequency). This variant has not been reported in the literature in individuals with SLC7A14-related conditions. Algorithms developed to predict the effect of missense changes on protein structure and function are either unavailable or do not agree on the potential impact of this missense change (SIFT: "Tolerated"; PolyPhen-2: "Benign"; Align-GVGD: "Class C0").